The following is an entry in ClinVar:

ClinVar aggregate classification (germline): Uncertain significance (1 of 4 stars; one submission).

Conditions:
Severe combined immunodeficiency due to IKK2 deficiency. Also called: IMMUNODEFICIENCY 15B; Immunodeficiency 15. Identifiers: Orphanet 397787, MedGen C4747743, MONDO:0014267, OMIM 615592.

Submission:

Labcorp Genetics (formerly Invitae), Labcorp
Classification: Uncertain significance for Severe combined immunodeficiency due to IKK2 deficiency. Last evaluated: 2025-10-27. Review status: criteria provided, single submitter. Criteria: Invitae Variant Classification Sherloc (09022015). Collection method: clinical testing. Allele origin: germline.
Comment: This sequence change replaces alanine, which is neutral and non-polar, with glycine, which is neutral and non-polar, at codon 736 of the IKBKB protein (p.Ala736Gly). This variant is not present in population databases (gnomAD no frequency). This variant has not been reported in the literature in individuals affected with IKBKB-related conditions. An algorithm developed to predict the effect of missense changes on protein structure and function (PolyPhen-2) suggests that this variant is likely to be tolerated. In summary, the available evidence is currently insufficient to determine the role of this variant in disease. Therefore, it has been classified as a Variant of Uncertain Significance.

NM_001556.3(IKBKB):c.2207C>G (p.Ala736Gly)

Gene: IKBKB (inhibitor of nuclear factor kappa B kinase subunit beta; plus strand). Cytogenetic location: 8p11.21.
Variant type: single nucleotide variant.
Coding change: c.2207C>G on transcript NM_001556.3 (MANE Select); coding-DNA position 2207, C replaced by G.
Protein change: p.Ala736Gly; replaces alanine 736 with glycine.
Molecular consequence: missense variant. On other transcripts: non-coding transcript variant (3).
Genome position (GRCh38, 1-based): chr8:42,330,915, C>G. VCF-style: chr8-42330915-C-G. GRCh37 (hg19) VCF-style: chr8-42188433-C-G.
Other names: c.2015C>G, p.Ala672Gly (NM_001190720.3); c.2030C>G, p.Ala677Gly (NM_001242778.2); short protein forms A677G, A736G, A672G.
Identifiers: ClinVar variation 4702971 (VCV004702971.1).